The following is an entry in ClinVar:

NM_006642.5(SDCCAG8):c.1597C>T (p.His533Tyr)

Gene: SDCCAG8 (SHH signaling and ciliogenesis regulator SDCCAG8; plus strand). Cytogenetic location: 1q43.
Variant type: single nucleotide variant.
Coding change: c.1597C>T on transcript NM_006642.5 (MANE Select); coding-DNA position 1597, C replaced by T.
Protein change: p.His533Tyr; replaces histidine 533 with tyrosine.
Molecular consequence: missense variant.
Genome position (GRCh38, 1-based): chr1:243,378,844, C>T. VCF-style: chr1-243378844-C-T. GRCh37 (hg19) VCF-style: chr1-243542146-C-T.
Other names: c.694C>T, p.His232Tyr (NM_001350246.2, NM_001350247.2, NM_001350251.2); c.1693C>T, p.His565Tyr (NM_001350248.2); c.1303C>T, p.His435Tyr (NM_001350249.2); short protein forms H232Y, H435Y, H533Y, H565Y.
Identifiers: ClinVar variation 2635557 (VCV002635557.2), dbSNP rs945649934, ClinGen allele CA40457326.

ClinVar aggregate classification (germline): Uncertain significance. Review status: criteria provided, multiple submitters, no conflicts (2 of 4 stars). 2 submissions from 2 submitters: Uncertain significance (2). Last evaluated 2025-01-21.

Conditions:
Inborn genetic diseases. Identifiers: MedGen C0950123, MeSH D030342.
SDCCAG8-related disorder. Also called: SDCCAG8-Related Disorders; SDCCAG8-related condition.

Allele frequency attached by ClinVar (database versions not stated): gnomAD exomes below 0.00001; TOPMed 0.00001.
gnomAD v4.1: 3 of 1,614,058 alleles (0.00019%); highest among the groups gnomAD compares: East Asian, 0.0067%; no homozygotes.

Submissions (2):

Ambry Genetics
Classification: Uncertain significance for Inborn genetic diseases. Last evaluated: 2025-01-21. Review status: criteria provided, single submitter. Criteria: Ambry Variant Classification Scheme 2023. Collection method: clinical testing. Allele origin: germline.

PreventionGenetics, part of Exact Sciences
Classification: Uncertain significance for SDCCAG8-related condition. Last evaluated: 2022-12-11. Review status: criteria provided, single submitter. Criteria: ACMG Guidelines, 2015. Collection method: clinical testing. Allele origin: germline.
Comment: The SDCCAG8 c.1597C>T variant is predicted to result in the amino acid substitution p.His533Tyr. To our knowledge, this variant has not been reported in the literature. This variant is reported in 0.016% of alleles in individuals of East Asian descent in gnomAD. At this time, the clinical significance of this variant is uncertain due to the absence of conclusive functional and genetic evidence.